The following is an entry in ClinVar:

NM_001297.5(CNGB1):c.1910G>A (p.Arg637His)

Gene: CNGB1 (cyclic nucleotide gated channel subunit beta 1; minus strand). Cytogenetic location: 16q21.
Variant type: single nucleotide variant.
Coding change: c.1910G>A on transcript NM_001297.5 (MANE Select); coding-DNA position 1910, G replaced by A.
Protein change: p.Arg637His; replaces arginine 637 with histidine.
Molecular consequence: missense variant.
Genome position (GRCh38, 1-based): chr16:57,919,146, C>T on the plus strand (G>A on the coding strand, the complement: CNGB1 is on the minus strand). VCF-style: chr16-57919146-C-T. GRCh37 (hg19) VCF-style: chr16-57953050-C-T.
Other names: c.1910G>A (NM_001297.4); c.1892G>A, p.Arg631His (NM_001286130.2); short protein forms R631H, R637H.
Identifiers: ClinVar variation 1045408 (VCV001045408.10), dbSNP rs775102648, ClinGen allele CA8083241.

ClinVar aggregate classification (germline): Uncertain significance. Review status: criteria provided, multiple submitters, no conflicts (2 of 4 stars). 3 submissions from 3 submitters: Uncertain significance (3). Last evaluated 2023-05-08.

Conditions:
Inborn genetic diseases. Identifiers: MedGen C0950123, MeSH D030342.

Allele frequency attached by ClinVar (database versions not stated): ExAC 0.00001; gnomAD 0.00001; gnomAD exomes 0.00001.
gnomAD v4.1: 21 of 1,614,038 alleles (0.0013%); highest among the groups gnomAD compares: Non-Finnish European, 0.0017%; no homozygotes.

Submissions (3):

Labcorp Genetics (formerly Invitae), Labcorp
Classification: Uncertain significance. Last evaluated: 2023-05-08. Review status: criteria provided, single submitter. Criteria: Invitae Variant Classification Sherloc (09022015). Collection method: clinical testing. Allele origin: germline.
Comment: In summary, the available evidence is currently insufficient to determine the role of this variant in disease. Therefore, it has been classified as a Variant of Uncertain Significance. Advanced modeling of protein sequence and biophysical properties (such as structural, functional, and spatial information, amino acid conservation, physicochemical variation, residue mobility, and thermodynamic stability) performed at Invitae indicates that this missense variant is not expected to disrupt CNGB1 protein function. ClinVar contains an entry for this variant (Variation ID: 1045408). This variant has not been reported in the literature in individuals affected with CNGB1-related conditions. This variant is present in population databases (rs775102648, gnomAD 0.002%). This sequence change replaces arginine, which is basic and polar, with histidine, which is basic and polar, at codon 637 of the CNGB1 protein (p.Arg637His).

Blueprint Genetics
Classification: Uncertain significance. Last evaluated: 2023-03-16. Review status: criteria provided, single submitter. Criteria: ACMG Guidelines, 2015. Collection method: clinical testing. Allele origin: germline.

Ambry Genetics
Classification: Uncertain significance for Inborn genetic diseases. Last evaluated: 2021-07-14. Review status: criteria provided, single submitter. Criteria: Ambry Variant Classification Scheme 2023. Collection method: clinical testing. Allele origin: germline.